The following is an entry in ClinVar:

ClinVar aggregate classification (germline): Uncertain significance. Review status: criteria provided, multiple submitters, no conflicts (2 of 4 stars). 3 submissions from 3 submitters: Uncertain significance (3). Last evaluated 2025-08-26.

Conditions:
Inborn genetic diseases. Identifiers: MedGen C0950123, MeSH D030342.

Allele frequency attached by ClinVar (database versions not stated): gnomAD 0.00003.
gnomAD v4.1: 69 of 1,611,810 alleles (0.0043%); highest among the groups gnomAD compares: Non-Finnish European, 0.0052%; no homozygotes.

Submissions (3):

Ambry Genetics
Classification: Uncertain significance for Inborn genetic diseases. Last evaluated: 2025-08-26. Review status: criteria provided, single submitter. Criteria: Ambry Variant Classification Scheme 2023. Collection method: clinical testing. Allele origin: germline.

Blueprint Genetics
Classification: Uncertain significance. Last evaluated: 2024-11-11. Review status: criteria provided, single submitter. Criteria: ACMG Guidelines, 2015. Collection method: clinical testing. Allele origin: germline.

Labcorp Genetics (formerly Invitae), Labcorp
Classification: Uncertain significance. Last evaluated: 2023-10-03. Review status: criteria provided, single submitter. Criteria: Invitae Variant Classification Sherloc (09022015). Collection method: clinical testing. Allele origin: germline.
Comment: This sequence change replaces cysteine, which is neutral and slightly polar, with serine, which is neutral and polar, at codon 590 of the RGS9 protein (p.Cys590Ser). This variant is present in population databases (no rsID available, gnomAD 0.006%). This variant has not been reported in the literature in individuals affected with RGS9-related conditions. ClinVar contains an entry for this variant (Variation ID: 1425429). An algorithm developed to predict the effect of missense changes on protein structure and function (PolyPhen-2) suggests that this variant is likely to be disruptive. In summary, the available evidence is currently insufficient to determine the role of this variant in disease. Therefore, it has been classified as a Variant of Uncertain Significance.

NM_003835.4(RGS9):c.1769G>C (p.Cys590Ser)

Gene: RGS9 (regulator of G protein signaling 9; plus strand). Cytogenetic location: 17q24.1.
Variant type: single nucleotide variant.
Coding change: c.1769G>C on transcript NM_003835.4 (MANE Select); coding-DNA position 1769, G replaced by C.
Protein change: p.Cys590Ser; replaces cysteine 590 with serine.
Molecular consequence: missense variant.
Genome position (GRCh38, 1-based): chr17:65,225,363, G>C. VCF-style: chr17-65225363-G-C. GRCh37 (hg19) VCF-style: chr17-63221481-G-C.
Other names: c.1760G>C, p.Cys587Ser (NM_001081955.3); c.1769G>C (NM_003835.3); short protein forms C587S, C590S.
Identifiers: ClinVar variation 1425429 (VCV001425429.7), dbSNP rs768330480, ClinGen allele CA293084395.